The following is an entry in ClinVar:

NM_001080442.3(SLC38A8):c.141G>A (p.Trp47Ter)

Gene: SLC38A8 (solute carrier family 38 member 8; minus strand). Cytogenetic location: 16q23.3.
Variant type: single nucleotide variant.
Coding change: c.141G>A on transcript NM_001080442.3 (MANE Select); coding-DNA position 141, G replaced by A.
Protein change: p.Trp47Ter; replaces tryptophan 47 with a stop codon.
Molecular consequence: nonsense.
Genome position (GRCh38, 1-based): chr16:84,042,017, C>T on the plus strand (G>A on the coding strand, the complement: SLC38A8 is on the minus strand). VCF-style: chr16-84042017-C-T. GRCh37 (hg19) VCF-style: chr16-84075622-C-T.
Other names: short protein forms W47*.
Identifiers: ClinVar variation 2863639 (VCV002863639.3), dbSNP rs2507681732, ClinGen allele CA396944368.

ClinVar aggregate classification (germline): Pathogenic (1 of 4 stars; one submission).

Allele frequency attached by ClinVar (database versions not stated): gnomAD exomes below 0.00001.
gnomAD v4.1: 1 of 1,613,164 alleles (0.000062%); highest among the groups gnomAD compares: South Asian, 0.0011%; no homozygotes.

Submission:

Labcorp Genetics (formerly Invitae), Labcorp
Classification: Pathogenic. Last evaluated: 2024-01-16. Review status: criteria provided, single submitter. Criteria: Invitae Variant Classification Sherloc (09022015). Collection method: clinical testing. Allele origin: germline.
Comment: This sequence change creates a premature translational stop signal (p.Trp47*) in the SLC38A8 gene. It is expected to result in an absent or disrupted protein product. Loss-of-function variants in SLC38A8 are known to be pathogenic (PMID: 24290379). This variant is not present in population databases (gnomAD no frequency). This variant has not been reported in the literature in individuals affected with SLC38A8-related conditions. For these reasons, this variant has been classified as Pathogenic.

Literature cited by the submitters: PubMed 24290379.